The following is an entry in ClinVar:

NM_000548.5(TSC2):c.4846C>T (p.Gln1616Ter)

Gene: TSC2 (TSC complex subunit 2; plus strand). Cytogenetic location: 16p13.3.
Variant type: single nucleotide variant.
Coding change: c.4846C>T on transcript NM_000548.5 (MANE Select); coding-DNA position 4846, C replaced by T.
Protein change: p.Gln1616Ter; replaces glutamine 1616 with a stop codon.
Molecular consequence: nonsense.
Genome position (GRCh38, 1-based): chr16:2,086,376, C>T. VCF-style: chr16-2086376-C-T. GRCh37 (hg19) VCF-style: chr16-2136377-C-T.
Other names: c.4645C>T, p.Gln1549Ter (NM_001077183.3); c.4777C>T, p.Gln1593Ter (NM_001114382.3); c.4537C>T, p.Gln1513Ter (NM_001318827.2); c.4501C>T, p.Gln1501Ter (NM_001318829.2); c.4114C>T, p.Gln1372Ter (NM_001318831.2); c.4678C>T, p.Gln1560Ter (NM_001318832.2); c.4648C>T, p.Gln1550Ter (NM_001363528.2); c.4714C>T, p.Gln1572Ter (NM_001370404.1); and 2 more; short protein forms Q1616*, Q1501*, Q1513*, Q1549*, Q1573*, Q1593*, Q1560*, Q1372*.
Identifiers: ClinVar variation 49326 (VCV000049326.56), dbSNP rs45455296, ClinGen allele CA021087.

ClinVar aggregate classification (germline): Pathogenic. Review status: criteria provided, multiple submitters, no conflicts (2 of 4 stars). 7 submissions from 7 submitters: Pathogenic (6). 1 of the submissions does not count toward it. Last evaluated 2025-01-04.

Conditions:
Tuberous sclerosis syndrome (TSC). Also called: Tuberous Sclerosis Complex; Tuberous sclerosis. Identifiers: Orphanet 805, MedGen C0041341, MONDO:0001734.
Tuberous sclerosis 2 (TSC2). Identifiers: Orphanet 805, MedGen C1860707, MONDO:0013199, OMIM 613254.

Submissions (8):

Genomic Medicine Center of Excellence, King Faisal Specialist Hospital and Research Centre
Classification: Pathogenic for Tuberous sclerosis 2. Last evaluated: 2025-01-04. Review status: criteria provided, single submitter. Criteria: ACMG Guidelines, 2015. Collection method: clinical testing. Allele origin: germline.

Labcorp Genetics (formerly Invitae), Labcorp
Classification: Pathogenic for Tuberous sclerosis 2. Last evaluated: 2023-10-15. Review status: criteria provided, single submitter. Criteria: Invitae Variant Classification Sherloc (09022015). Collection method: clinical testing. Allele origin: germline.
Comment: This sequence change creates a premature translational stop signal (p.Gln1616*) in the TSC2 gene. It is expected to result in an absent or disrupted protein product. Loss-of-function variants in TSC2 are known to be pathogenic (PMID: 10205261, 17304050). This variant is not present in population databases (gnomAD no frequency). This premature translational stop signal has been observed in individual(s) with tuberous sclerosis complex (PMID: 16981987). ClinVar contains an entry for this variant (Variation ID: 49326). Algorithms developed to predict the effect of sequence changes on RNA splicing suggest that this variant may create or strengthen a splice site. For these reasons, this variant has been classified as Pathogenic.

GeneDx
Classification: Pathogenic. Last evaluated: 2022-12-22. Review status: criteria provided, single submitter. Criteria: GeneDx Variant Classification Process June 2021. Collection method: clinical testing. Allele origin: germline. Affected: yes.
Comment: Nonsense variant predicted to result in protein truncation or nonsense mediated decay in a gene for which loss of function is a known mechanism of disease; Not observed at significant frequency in large population cohorts (gnomAD); This variant is associated with the following publications: (PMID: 25525159, 32055024, 16981987)

ARUP Laboratories, Molecular Genetics and Genomics, ARUP Laboratories
Classification: Pathogenic. Last evaluated: 2022-10-19. Review status: criteria provided, single submitter. Criteria: ARUP Molecular Germline Variant Investigation Process 2021. Collection method: clinical testing. Allele origin: germline.
Comment: The TSC2 c.4846C>T; p.Gln1616Ter variant (rs45455296) is reported in the literature in an individual affected with tuberous sclerosis (Hung 2006). This variant is reported in ClinVar (Variation ID: 49326) and is absent from the Genome Aggregation Database, indicating it is not a common polymorphism. This variant induces an early termination codon and is predicted to result in a truncated protein or mRNA subject to nonsense-mediated decay. In vitro and in vivo functional analyses demonstrate that loss of the TSC2 GAP domain function, where the p.Gln1616Ter variant lies, prevents TSC2 activity (Fu 2013, Hansmann 2020). Additionally, upstream and downstream truncating variants have been described in individuals with tuberous sclerosis and are considered to be pathogenic (Maheshwar 1997). Based on available information, this variant is considered to be pathogenic. References: Fu C et al. Conditional and domain-specific inactivation of the Tsc2 gene in neural progenitor cells. Genesis. 2013 Apr;51(4):284-92. PMID: 23359422 Hansmann P et al. Structure of the TSC2 GAP Domain: Mechanistic Insight into Catalysis and Pathogenic Mutations. Structure. 2020 Aug 4;28(8):933-942.e4. PMID: 32502382 Hung CC et al. Molecular and clinical analyses of 84 patients with tuberous sclerosis complex. BMC Med Genet. 2006 Sep 18;7:72. PMID: 16981987 Maheshwar MM et al. The GAP-related domain of tuberin, the product of the TSC2 gene, is a target for missense mutations in tuberous sclerosis. Hum Mol Genet. 1997 Oct;6(11):1991-6. PMID: 9302281

Genome-Nilou Lab
Classification: Pathogenic for Tuberous sclerosis 2. Last evaluated: 2021-11-07. Review status: criteria provided, single submitter. Criteria: ACMG Guidelines, 2015. Collection method: clinical testing. Allele origin: germline. Affected: no.

CeGaT Center for Human Genetics Tuebingen
Classification: Pathogenic. Last evaluated: 2016-08-01. Review status: criteria provided, single submitter. Criteria: CeGaT Center For Human Genetics Tuebingen Variant Classification Criteria Version 2. Collection method: clinical testing. Allele origin: germline. Affected: yes. Observed: 1 variant allele.

Dr. Peter K. Rogan Lab, Western University
No classification provided (evidence only). Condition: Thyroid cancer, nonmedullary, 1. Review status: no classification provided. Collection method: in vitro. Allele origin: not applicable. Functional consequence: retained intron. Not counted in ClinVar's aggregate classification.

Tuberous sclerosis database (TSC2)
No classification provided. Condition: TSC. Review status: no classification provided. Criteria: Tuberous Sclerosis Database Assertion Criteria 2015. Collection method: curation. Allele origin: germline. Affected: yes. Not counted in ClinVar's aggregate classification.

Literature cited by the submitters: PubMed 10205261 (cited by Labcorp Genetics (formerly Invitae), Labcorp); PubMed 17304050 (cited by Labcorp Genetics (formerly Invitae), Labcorp); PubMed 16981987 (cited by Labcorp Genetics (formerly Invitae), Labcorp).